The following is an entry in ClinVar:

ClinVar aggregate classification (germline): Pathogenic (1 of 4 stars; one submission).

Conditions:
Hypercholesterolemia, familial, 1. Also called: LDL RECEPTOR DISORDER; Hyperlipoproteinemia Type IIa; HYPER-LOW-DENSITY-LIPOPROTEINEMIA; HYPERCHOLESTEROLEMIC XANTHOMATOSIS, FAMILIAL; Fredrickson type IIa hyperlipoproteinemia; Hyperlipoproteinemia type 2. Identifiers: Orphanet 391665, MedGen C0745103, MONDO:0007750, OMIM 143890.

Submission:

U4M - Lille University & CHRU Lille, Université de Lille - CHRU de Lille
Classification: Pathogenic for Familial Hypercholesterolemia. Last evaluated: 2017-03-30. Review status: criteria provided, single submitter. Criteria: ACMG Guidelines, 2015. Collection method: clinical testing. Allele origin: germline. Affected: yes. Observed: 16 variant alleles. Clinical features observed: Hyperbetalipoproteinemia (HP:0003141), Hypercholesterolemia (HP:0003124).
Comment: ACMG Guidelines: Pathogenic (ii)

NM_000527.4:c.[829G>A;1268T>C]

Variant type: Haplotype.
Identifiers: ClinVar variation 430765 (VCV000430765.2).